The following is an entry in ClinVar:

NM_001165963.4(SCN1A):c.4002+2112T>C

Genes: SCN1A (sodium voltage-gated channel alpha subunit 1; minus strand), LOC102724058 (uncharacterized LOC102724058; plus strand). Cytogenetic location: 2q24.3.
Variant type: single nucleotide variant.
Coding change: c.4002+2112T>C on transcript NM_001165963.4 (MANE Select); 2112 bases into the intron after coding-DNA position 4002, T replaced by C.
Molecular consequence: intron variant.
Genome position (GRCh38, 1-based): chr2:166,007,607, A>G on the plus strand (T>C on the coding strand, the complement: SCN1A is on the minus strand). VCF-style: chr2-166007607-A-G. GRCh37 (hg19) VCF-style: chr2-166864117-A-G.
Other names: c.3969+2112T>C (NM_001353949.2, NM_001353950.2, NM_001353951.2 and 2 more transcripts); c.3918+2112T>C (NM_001353958.2, NM_001353957.2, NM_001165964.3); c.4002+2112T>C (NM_001202435.3, NM_001353948.2); c.3966+2112T>C (NM_001353955.2, NM_001353954.2); c.3915+2112T>C (NM_001353960.2); c.1560+2112T>C (NM_001353961.2).
Identifiers: ClinVar variation 1649271 (VCV001649271.9), dbSNP rs528876785, ClinGen allele CA59771679.

ClinVar aggregate classification (germline): Uncertain significance (1 of 4 stars; one submission).

Conditions:
Early-infantile DEE. Also called: Ohtahara syndrome; Early infantile epileptic encephalopathy; Early infantile epileptic encephalopathy with suppression bursts. Identifiers: Orphanet 1934, MedGen C0393706, MONDO:0800491.

Allele frequency attached by ClinVar (database versions not stated): gnomAD 0.00024 and 0.00030; TOPMed 0.00026.
gnomAD v4.1: 45 of 151,510 alleles (0.03%); highest among the groups gnomAD compares: African/African-American, 0.1%; 2 homozygotes.

Submission:

Labcorp Genetics (formerly Invitae), Labcorp
Classification: Uncertain significance for Early-infantile DEE. Last evaluated: 2025-12-28. Review status: criteria provided, single submitter. Criteria: Invitae Variant Classification Sherloc (09022015). Collection method: clinical testing. Allele origin: germline.
Comment: This sequence change falls in intron 20 of the SCN1A gene. It does not directly change the encoded amino acid sequence of the SCN1A protein. However, this sequence change falls within a region encompassing a cryptic exon in the SCN1A gene, in which variants have been shown to alter splicing (PMID: 30526861, 34107977). This variant is present in population databases (rs528876785, gnomAD 0.08%). This variant has not been reported in the literature in individuals affected with SCN1A-related conditions. ClinVar contains an entry for this variant (Variation ID: 1649271). Algorithms developed to predict the effect of sequence changes on RNA splicing suggest that this variant is not likely to affect RNA splicing. In summary, the available evidence is currently insufficient to determine the role of this variant in disease. Therefore, it has been classified as a Variant of Uncertain Significance.

Literature cited by the submitters: PubMed 30526861; PubMed 34107977.